The following is an entry in ClinVar:

NM_002800.5(PSMB9):c.331C>T (p.Arg111Ter)

Gene: PSMB9 (proteasome 20S subunit beta 9; plus strand). Cytogenetic location: 6p21.32.
Variant type: single nucleotide variant.
Coding change: c.331C>T on transcript NM_002800.5 (MANE Select); coding-DNA position 331, C replaced by T.
Protein change: p.Arg111Ter; replaces arginine 111 with a stop codon.
Molecular consequence: nonsense.
Genome position (GRCh38, 1-based): chr6:32,858,075, C>T. VCF-style: chr6-32858075-C-T. GRCh37 (hg19) VCF-style: chr6-32825852-C-T.
Other names: short protein forms R111*.
Identifiers: ClinVar variation 4705580 (VCV004705580.1).

ClinVar aggregate classification (germline): Uncertain significance (1 of 4 stars; one submission).

Submission:

Labcorp Genetics (formerly Invitae), Labcorp
Classification: Uncertain significance. Last evaluated: 2025-11-16. Review status: criteria provided, single submitter. Criteria: Invitae Variant Classification Sherloc (09022015). Collection method: clinical testing. Allele origin: germline.
Comment: This sequence change creates a premature translational stop signal (p.Arg111*) in the PSMB9 gene. It is expected to result in an absent or disrupted protein product. However, the current clinical and genetic evidence is not sufficient to establish whether loss-of-function variants in PSMB9 cause disease. This variant is present in population databases (no rsID available, gnomAD 0.003%). This variant has not been reported in the literature in individuals affected with PSMB9-related conditions. In summary, the available evidence is currently insufficient to determine the role of this variant in disease. Therefore, it has been classified as a Variant of Uncertain Significance.